The following is an entry in ClinVar:

ClinVar aggregate classification (germline): Benign. Review status: criteria provided, multiple submitters, no conflicts (2 of 4 stars). 6 submissions from 6 submitters: Benign (6). Last evaluated 2026-02-04.

Conditions:
Pontoneocerebellar hypoplasia. Also called: Non-syndromic pontocerebellar hypoplasia; Pontocerebellar hypoplasia. Identifiers: Orphanet 98523, MedGen C1261175, MONDO:0020135.

Allele frequency attached by ClinVar (database versions not stated): ESP Exome Variant Server 0.01922; gnomAD 0.02296 and 0.02446; gnomAD exomes 0.02453; ExAC 0.02484; TOPMed 0.02585; 1000 Genomes Project 0.04473; 1000 Genomes Project 30x 0.04560.
gnomAD v4.1: 29,270 of 1,614,160 alleles (1.8%); highest among the groups gnomAD compares: South Asian, 5.6%; 503 homozygotes.

Submissions (6):

Labcorp Genetics (formerly Invitae), Labcorp
Classification: Benign. Last evaluated: 2026-02-04. Review status: criteria provided, single submitter. Criteria: Invitae Variant Classification Sherloc (09022015). Collection method: clinical testing. Allele origin: germline.

Illumina Laboratory Services, Illumina
Classification: Benign for Pontoneocerebellar hypoplasia. Last evaluated: 2018-01-13. Review status: criteria provided, single submitter. Criteria: ICSL Variant Classification Criteria 13 December 2019. Collection method: clinical testing. Allele origin: germline.
Comment: This variant was observed in the ICSL laboratory as part of a predisposition screen in an ostensibly healthy population. It had not been previously curated by ICSL or reported in the Human Gene Mutation Database (HGMD: prior to June 1st, 2018), and was therefore a candidate for classification through an automated scoring system. Utilizing variant allele frequency, disease prevalence and penetrance estimates, and inheritance mode, an automated score was calculated to assess if this variant is too frequent to cause the disease. Based on the score and internal cut-off values, a variant classified as benign is not then subjected to further curation. The score for this variant resulted in a classification of benign for this disease.

GeneDx
Classification: Benign. Last evaluated: 2014-06-04. Review status: criteria provided, single submitter. Criteria: GeneDx Variant Classification (06012015). Collection method: clinical testing. Allele origin: germline. Affected: yes.
Comment: This variant is considered likely benign or benign based on one or more of the following criteria: it is a conservative change, it occurs at a poorly conserved position in the protein, it is predicted to be benign by multiple in silico algorithms, and/or has population frequency not consistent with disease.

Genetic Services Laboratory, University of Chicago
Classification: Benign. Last evaluated: 2013-02-08. Review status: criteria provided, single submitter. Criteria: ACMG Guidelines, 2007. Collection method: clinical testing. Allele origin: germline. Inheritance: Autosomal recessive inheritance.

Breakthrough Genomics
Classification: Benign. Review status: criteria provided, single submitter. Criteria: ACMG Guidelines, 2015. Collection method: not provided. Allele origin: germline. Inheritance: Autosomal recessive inheritance. Affected: yes.

PreventionGenetics, part of Exact Sciences
Classification: Benign. Review status: criteria provided, single submitter. Criteria: ACMG Guidelines, 2015. Collection method: clinical testing. Allele origin: germline.

NM_025265.4(TSEN2):c.327G>A (p.Glu109=)

Gene: TSEN2 (tRNA splicing endonuclease subunit 2; plus strand). Cytogenetic location: 3p25.2.
Variant type: single nucleotide variant.
Coding change: c.327G>A on transcript NM_025265.4 (MANE Select); coding-DNA position 327, G replaced by A.
Protein change: p.Glu109=; no amino-acid change (glutamic acid 109 retained).
Molecular consequence: synonymous variant. On other transcripts: non-coding transcript variant (1).
Genome position (GRCh38, 1-based): chr3:12,503,280, G>A. VCF-style: chr3-12503280-G-A. GRCh37 (hg19) VCF-style: chr3-12544779-G-A.
Other names: p.E109E:GAG>GAA; c.327G>A, p.Glu109= (NM_001145392.2, NM_001145393.3, NM_001145394.2 and 3 more transcripts).
Identifiers: ClinVar variation 137749 (VCV000137749.18), dbSNP rs77899976, ClinGen allele CA173684.